The following is an entry in ClinVar:

ClinVar aggregate classification (germline): Benign/Likely benign. Review status: criteria provided, multiple submitters, no conflicts (2 of 4 stars). 5 submissions from 5 submitters: Benign (1); Likely benign (3). 1 of the submissions does not count toward it. Last evaluated 2026-07-01.

Conditions:
Inborn genetic diseases. Identifiers: MedGen C0950123, MeSH D030342.
DDX3X-related disorder. Also called: DDX3X-related condition.

Allele frequency attached by ClinVar (database versions not stated): gnomAD 0.00001; gnomAD exomes 0.00002 and 0.00008; ExAC 0.00006; TOPMed 0.00007.

Submissions (5):

CeGaT Center for Human Genetics Tuebingen
Classification: Likely benign. Last evaluated: 2026-07-01. Review status: criteria provided, single submitter. Criteria: CeGaT Center For Human Genetics Tuebingen Variant Classification Criteria Version 2. Collection method: clinical testing. Allele origin: germline. Affected: yes. Observed: 2 variant alleles.
Comment: DDX3X: BP4, BS2

Labcorp Genetics (formerly Invitae), Labcorp
Classification: Likely benign. Last evaluated: 2026-01-19. Review status: criteria provided, single submitter. Criteria: Invitae Variant Classification Sherloc (09022015). Collection method: clinical testing. Allele origin: germline.

Ambry Genetics
Classification: Likely benign for Inborn genetic diseases. Last evaluated: 2022-02-08. Review status: criteria provided, single submitter. Criteria: Ambry Variant Classification Scheme 2023. Collection method: clinical testing. Allele origin: germline.

GeneDx
Classification: Benign. Last evaluated: 2019-09-23. Review status: criteria provided, single submitter. Criteria: GeneDx Variant Classification Process June 2021. Collection method: clinical testing. Allele origin: germline. Affected: yes.

PreventionGenetics, part of Exact Sciences
Classification: Likely benign for DDX3X-related condition. Last evaluated: 2023-01-02. Review status: no assertion criteria provided. Collection method: clinical testing. Allele origin: germline. Not counted in ClinVar's aggregate classification.
Comment: This variant is classified as likely benign based on ACMG/AMP sequence variant interpretation guidelines (Richards et al. 2015 PMID: 25741868, with internal and published modifications).

NM_001356.5(DDX3X):c.181A>G (p.Ser61Gly)

Gene: DDX3X (DEAD-box helicase 3 X-linked; plus strand). Cytogenetic location: Xp11.4.
Variant type: single nucleotide variant.
Coding change: c.181A>G on transcript NM_001356.5 (MANE Select); coding-DNA position 181, A replaced by G.
Protein change: p.Ser61Gly; replaces serine 61 with glycine.
Molecular consequence: missense variant. On other transcripts: 5 prime UTR variant (1), non-coding transcript variant (1).
Genome position (GRCh38, 1-based): chrX:41,341,513, A>G. VCF-style: chrX-41341513-A-G. GRCh37 (hg19) VCF-style: chrX-41200766-A-G.
Other names: c.181A>G (NM_001356.3, NM_001193416.2); c.181A>G, p.Ser61Gly (NM_001193416.3); c.133A>G, p.Ser45Gly (NM_001193417.3); c.-378A>G (NM_001363819.1); short protein forms S45G, S61G.
Identifiers: ClinVar variation 1289008 (VCV001289008.13), dbSNP rs778806111, ClinGen allele CA10389377.
Genomic context (GRCh38, chrX:41,341,513, plus strand): 5'-ATAAAATGTATTTGTGCTTTTTTAATCAAAGGTTTCTACGATAAAGACAGTTCAGGGTGG[A>G]GTTCTAGCAAAGATAAGGATGCGTATAGCAGTTTTGGATCTCGTAGTGATTCAAGAGGGA-3'
Protein context (NP_001347.3, residues 51-71): GFYDKDSSGW[Ser61Gly]SSKDKDAYSS